The following is an entry in ClinVar:

NM_030773.4(TUBB1):c.242dup (p.Leu81fs)

Gene: TUBB1 (tubulin beta 1 class VI; plus strand). Cytogenetic location: 20q13.32.
Variant type: Duplication.
Coding change: c.242dup on transcript NM_030773.4 (MANE Select); coding-DNA position 242, one base duplicated (T; older notation c.242dupT).
Protein change: p.Leu81fs; shifts the reading frame from leucine 81.
Molecular consequence: frameshift variant.
Genome position (GRCh38, 1-based): chr20:59,023,565, T duplicated; the last of 2 consecutive T bases (chr20:59,023,564-59,023,565); duplicating either gives the same sequence. VCF-style (leftmost placement, unchanged base first): chr20-59023563-A-AT. GRCh37 (hg19) VCF-style: chr20-57598618-A-AT.
Other names: short protein forms L81fs.
Identifiers: ClinVar variation 3727879 (VCV003727879.2).

ClinVar aggregate classification (germline): Uncertain significance (1 of 4 stars; one submission).

Submission:

Labcorp Genetics (formerly Invitae), Labcorp
Classification: Uncertain significance. Last evaluated: 2024-12-23. Review status: criteria provided, single submitter. Criteria: Invitae Variant Classification Sherloc (09022015). Collection method: clinical testing. Allele origin: germline.
Comment: This sequence change creates a premature translational stop signal (p.Leu81Phefs*14) in the TUBB1 gene. While this is not anticipated to result in nonsense mediated decay, it is expected to disrupt the last 371 amino acid(s) of the TUBB1 protein. This variant is not present in population databases (gnomAD no frequency). This variant has not been reported in the literature in individuals affected with TUBB1-related conditions. Experimental studies and prediction algorithms are not available or were not evaluated, and the functional significance of this variant is currently unknown. In summary, the available evidence is currently insufficient to determine the role of this variant in disease. Therefore, it has been classified as a Variant of Uncertain Significance.